The following is an entry in ClinVar:

NM_007357.3(COG2):c.1014T>C (p.Asp338=)

Gene: COG2 (component of oligomeric golgi complex 2; plus strand). Cytogenetic location: 1q42.2.
Variant type: single nucleotide variant.
Coding change: c.1014T>C on transcript NM_007357.3 (MANE Select); coding-DNA position 1014, T replaced by C.
Protein change: p.Asp338=; no amino-acid change (aspartic acid 338 retained).
Molecular consequence: synonymous variant.
Genome position (GRCh38, 1-based): chr1:230,675,112, T>C. VCF-style: chr1-230675112-T-C. GRCh37 (hg19) VCF-style: chr1-230810858-T-C.
Other names: c.1014T>C, p.Asp338= (NM_001145036.2).
Identifiers: ClinVar variation 478370 (VCV000478370.35), dbSNP rs113173809, ClinGen allele CA1447604.

ClinVar aggregate classification (germline): Benign/Likely benign. Review status: criteria provided, multiple submitters, no conflicts (2 of 4 stars). 4 submissions from 4 submitters: Benign (2); Likely benign (1). 1 of the submissions does not count toward it. Last evaluated 2026-09-01.

Conditions:
COG2-related disorder. Also called: COG2-related condition.
Congenital disorder of glycosylation, type IIq. Also called: CDG IIq. Identifiers: Orphanet 435934, MedGen C4479353, MONDO:0054559, OMIM 617395.

Allele frequency attached by ClinVar (database versions not stated): 1000 Genomes Project 0.00120; 1000 Genomes Project 30x 0.00125; ESP Exome Variant Server 0.00400; TOPMed 0.00403; gnomAD 0.00411 and 0.00426; ExAC 0.00468; gnomAD exomes 0.00473 and 0.00592.
gnomAD v4.1: 9,198 of 1,611,642 alleles (0.57%); highest among the groups gnomAD compares: Non-Finnish European, 0.68%; 36 homozygotes.

Submissions (4):

CeGaT Center for Human Genetics Tuebingen
Classification: Likely benign. Last evaluated: 2026-09-01. Review status: criteria provided, single submitter. Criteria: CeGaT Center For Human Genetics Tuebingen Variant Classification Criteria Version 2. Collection method: clinical testing. Allele origin: germline. Affected: yes. Observed: 7 variant alleles.
Comment: COG2: BP4, BP7, BS2

Labcorp Genetics (formerly Invitae), Labcorp
Classification: Benign for Congenital disorder of glycosylation, type IIq. Last evaluated: 2025-12-08. Review status: criteria provided, single submitter. Criteria: Invitae Variant Classification Sherloc (09022015). Collection method: clinical testing. Allele origin: germline.

Breakthrough Genomics
Classification: Benign. Review status: criteria provided, single submitter. Criteria: ACMG Guidelines, 2015. Collection method: not provided. Allele origin: germline. Inheritance: Autosomal recessive inheritance. Affected: yes.

PreventionGenetics, part of Exact Sciences
Classification: Benign for COG2-related condition. Last evaluated: 2019-07-12. Review status: no assertion criteria provided. Collection method: clinical testing. Allele origin: germline. Not counted in ClinVar's aggregate classification.
Comment: This variant is classified as benign based on ACMG/AMP sequence variant interpretation guidelines (Richards et al. 2015 PMID: 25741868, with internal and published modifications).